The following is an entry in ClinVar:

NM_032608.7(MYO18B):c.1385_1386del (p.Glu462fs)

Gene: MYO18B (myosin XVIIIB; plus strand). Cytogenetic location: 22q12.1.
Variant type: Microsatellite.
Coding change: c.1385_1386del on transcript NM_032608.7 (MANE Select); coding-DNA positions 1385 to 1386, 2 bases deleted (AG; older notation c.1385_1386delAG).
Protein change: p.Glu462fs; shifts the reading frame from glutamic acid 462.
Molecular consequence: frameshift variant.
Genome position (GRCh38, 1-based): chr22:25,769,301-25,769,302, AG deleted; deleting any 2 consecutive bases within chr22:25,769,299-25,769,302 gives the same sequence; the c. name uses the placement nearest the transcript's 3' end. VCF-style (leftmost placement, unchanged base first): chr22-25769298-CAG-C. GRCh37 (hg19) VCF-style: chr22-26165265-CAG-C.
Other names: c.1385_1386del, p.Glu462fs (NM_001318245.2); c.1385_1386del (NM_032608.5); short protein forms E462fs.
Identifiers: ClinVar variation 1499556 (VCV001499556.10), dbSNP rs1485101622, ClinGen allele CA638953347.
Genomic context (GRCh38, chr22:25,769,298, plus strand): 5'-GTGGGCAGGAAGCAGAGGAGCCCTGCTCAAGAGCAGGTGATGGGGCTGGTGCCCTGGAGA[CAG>C]AGCTGGAAGGACCCAGCCAGCCTGCTCTGGAGAAGGATGCAGAAAGGCCTCGGATACGGA-3'

ClinVar aggregate classification (germline): Pathogenic/Likely pathogenic. Review status: criteria provided, multiple submitters, no conflicts (2 of 4 stars). 4 submissions from 4 submitters: Pathogenic (1); Likely pathogenic (3). Last evaluated 2026-08-18.

Conditions:
MYO18B-related disorder. Also called: MYO18B-related condition.

Submissions (4):

GeneDx
Classification: Likely pathogenic. Last evaluated: 2026-08-18. Review status: criteria provided, single submitter. Criteria: GeneDx Variant Classification Process June 2021. Collection method: clinical testing. Allele origin: germline.
Comment: Reported in a study designed to determine carrier frequencies in the Brazilian population using whole exome sequencing (PMID: 34269512); Frameshift variant predicted to result in protein truncation or nonsense mediated decay in a gene for which loss of function is a known mechanism of disease; Not observed at significant frequency in large population cohorts (gnomAD); This variant is associated with the following publications: (PMID: 34269512)

Dasa
Classification: Likely pathogenic. Last evaluated: 2026-03-02. Review status: criteria provided, single submitter. Criteria: DASA Assertion Criteria. Collection method: clinical testing. Allele origin: germline.
Comment: NM_032608.7(MYO18B):c.1385_1386del (p.Glu462Alafs*45) is a frameshift variant in MYO18B predicted to alter the reading frame and introduce a premature termination codon and is predicted to result in an absent or altered protein product. Loss of function is an established disease mechanism for MYO18B-associated disorders. Published studies describe this variant in association with related phenotype (PMID: 34269512). Also, this variant is rare in population databases. Based on the currently available evidence, this variant is classified as likely pathogenic.

Labcorp Genetics (formerly Invitae), Labcorp
Classification: Pathogenic. Last evaluated: 2025-12-29. Review status: criteria provided, single submitter. Criteria: Invitae Variant Classification Sherloc (09022015). Collection method: clinical testing. Allele origin: germline.
Comment: This sequence change creates a premature translational stop signal (p.Glu462Alafs*45) in the MYO18B gene. It is expected to result in an absent or disrupted protein product. Loss-of-function variants in MYO18B are known to be pathogenic (PMID: 25748484, 32184166, 32637634). This variant is present in population databases (no rsID available, gnomAD 0.002%). This variant has not been reported in the literature in individuals affected with MYO18B-related conditions. For these reasons, this variant has been classified as Pathogenic.

Blueprint Genetics
Classification: Likely pathogenic for MYO18B-related disorders. Last evaluated: 2022-02-18. Review status: criteria provided, single submitter. Criteria: ACMG Guidelines, 2015. Collection method: clinical testing. Allele origin: germline. Affected: yes. Observed: 1 variant allele.

Literature cited by the submitters: PubMed 34269512 (cited by Dasa); PubMed 25748484 (cited by Labcorp Genetics (formerly Invitae), Labcorp); PubMed 32184166 (cited by Labcorp Genetics (formerly Invitae), Labcorp); PubMed 32637634 (cited by Labcorp Genetics (formerly Invitae), Labcorp).